The following is an entry in ClinVar:

NM_024915.4(GRHL2):c.1011C>G (p.Tyr337Ter)

Gene: GRHL2 (grainyhead like transcription factor 2; plus strand). Cytogenetic location: 8q22.3.
Variant type: single nucleotide variant.
Coding change: c.1011C>G on transcript NM_024915.4 (MANE Select); coding-DNA position 1011, C replaced by G.
Protein change: p.Tyr337Ter; replaces tyrosine 337 with a stop codon.
Molecular consequence: nonsense.
Genome position (GRCh38, 1-based): chr8:101,599,064, C>G. VCF-style: chr8-101599064-C-G. GRCh37 (hg19) VCF-style: chr8-102611292-C-G.
Other names: c.963C>G, p.Tyr321Ter (NM_001330593.2); short protein forms Y321*, Y337*.
Identifiers: ClinVar variation 2778996 (VCV002778996.3), dbSNP rs2536894997, ClinGen allele CA371645291.

ClinVar aggregate classification (germline): Pathogenic (1 of 4 stars; one submission).

Submission:

Labcorp Genetics (formerly Invitae), Labcorp
Classification: Pathogenic. Last evaluated: 2023-08-08. Review status: criteria provided, single submitter. Criteria: Invitae Variant Classification Sherloc (09022015). Collection method: clinical testing. Allele origin: germline.
Comment: For these reasons, this variant has been classified as Pathogenic. This sequence change creates a premature translational stop signal (p.Tyr337*) in the GRHL2 gene. It is expected to result in an absent or disrupted protein product. Loss-of-function variants in GRHL2 are known to be pathogenic (PMID: 12393799, 27911912). This variant is not present in population databases (gnomAD no frequency). This variant has not been reported in the literature in individuals affected with GRHL2-related conditions.

Literature cited by the submitters: PubMed 12393799; PubMed 27911912.